The following is an entry in ClinVar:

ClinVar aggregate classification (germline): Pathogenic (1 of 4 stars; one submission).

Submission:

Labcorp Genetics (formerly Invitae), Labcorp
Classification: Pathogenic. Last evaluated: 2023-05-12. Review status: criteria provided, single submitter. Criteria: Invitae Variant Classification Sherloc (09022015). Collection method: clinical testing. Allele origin: germline.
Comment: This variant has not been reported in the literature in individuals affected with GNAS-related conditions. This variant is not present in population databases (gnomAD no frequency). This sequence change creates a premature translational stop signal (p.Ser51*) in the GNAS gene. It is expected to result in an absent or disrupted protein product. Loss-of-function variants in GNAS are known to be pathogenic (PMID: 11784876, 23281139, 23796510, 25802881). For these reasons, this variant has been classified as Pathogenic.

Literature cited by the submitters: PubMed 11784876; PubMed 23281139; PubMed 23796510; PubMed 25802881.

NM_000516.7(GNAS):c.150_154del (p.Glu50_Ser51insTer)

Gene: GNAS (GNAS complex locus; plus strand). Cytogenetic location: 20q13.32.
Variant type: Deletion.
Coding change: c.150_154del on transcript NM_000516.7 (MANE Select); coding-DNA positions 150 to 154, 5 bases deleted (ATCTG; older notation c.150_154delATCTG).
Protein change: p.Glu50_Ser51insTer.
Molecular consequence: frameshift variant. On other transcripts: 3 prime UTR variant (3), 5 prime UTR variant (2), non-coding transcript variant (2).
Genome position (GRCh38, 1-based): chr20:58,895,622-58,895,626, ATCTG deleted. VCF-style (leftmost placement, unchanged base first): chr20-58895621-AATCTG-A. GRCh37 (hg19) VCF-style: chr20-57470676-AATCTG-A.
Other names: c.150_154del, p.Glu50_Ser51insTer (NM_001077488.5, NM_001077489.4, NM_001309842.2 and 1 more transcripts); c.*11_*15del (NM_001077490.3); c.-28_-24del (NM_001309840.2, NM_001309861.2); c.*169_*173del (NM_001309883.1); c.54_58del, p.Glu18_Ser19insTer (NM_001410912.1); c.2079_2083del, p.Glu693_Ser694insTer (NM_001410913.1, NM_080425.4); c.*53_*57del (NM_016592.5).
Identifiers: ClinVar variation 2833732 (VCV002833732.3), dbSNP rs2516902375, ClinGen allele CA2739277237.